The following is an entry in ClinVar:

NM_001330691.3(CEP78):c.1537A>G (p.Met513Val)

Gene: CEP78 (centrosomal protein 78; plus strand). Cytogenetic location: 9q21.2.
Variant type: single nucleotide variant.
Coding change: c.1537A>G on transcript NM_001330691.3 (MANE Select); coding-DNA position 1537, A replaced by G.
Protein change: p.Met513Val; replaces methionine 513 with valine.
Molecular consequence: missense variant.
Genome position (GRCh38, 1-based): chr9:78,264,228, A>G. VCF-style: chr9-78264228-A-G. GRCh37 (hg19) VCF-style: chr9-80879144-A-G.
Other names: c.1540A>G, p.Met514Val (NM_001098802.3, NM_001349839.2, NM_001349840.2 and 1 more transcripts); c.1537A>G, p.Met513Val (NM_001330693.3, NM_001330694.2, NM_001349838.2); short protein forms M514V, M513V.
Identifiers: ClinVar variation 1351836 (VCV001351836.5), dbSNP rs1006279710, ClinGen allele CA194407918.
Genomic context (GRCh38, chr9:78,264,228, plus strand): 5'-CAGTTAAGAAATATAAATTTCTCTTTGTCTGAAGCCCTTCATGCACAGTCATTGACAAAT[A>G]TGATCCTGGATGATGAAGGTGTTTTGGGCAGCATTGAGAATTCTTTTCAGAAGTTTCATG-3'
Protein context (NP_001317620.1, residues 503-523): EALHAQSLTN[Met513Val]ILDDEGVLGS

ClinVar aggregate classification (germline): Uncertain significance (1 of 4 stars; one submission).

Allele frequency attached by ClinVar (database versions not stated): gnomAD exomes below 0.00001; TOPMed 0.00001; gnomAD 0.00001.
gnomAD v4.1: 7 of 1,609,982 alleles (0.00043%); highest among the groups gnomAD compares: African/African-American, 0.0027%; no homozygotes.

Submission:

Labcorp Genetics (formerly Invitae), Labcorp
Classification: Uncertain significance. Last evaluated: 2022-08-01. Review status: criteria provided, single submitter. Criteria: Invitae Variant Classification Sherloc (09022015). Collection method: clinical testing. Allele origin: germline.
Comment: This sequence change replaces methionine, which is neutral and non-polar, with valine, which is neutral and non-polar, at codon 514 of the CEP78 protein (p.Met514Val). This variant is not present in population databases (gnomAD no frequency). This variant has not been reported in the literature in individuals affected with CEP78-related conditions. ClinVar contains an entry for this variant (Variation ID: 1351836). Algorithms developed to predict the effect of missense changes on protein structure and function are either unavailable or do not agree on the potential impact of this missense change (SIFT: "Tolerated"; PolyPhen-2: "Probably Damaging"; Align-GVGD: "Class C0"). In summary, the available evidence is currently insufficient to determine the role of this variant in disease. Therefore, it has been classified as a Variant of Uncertain Significance.